The following is an entry in ClinVar:

ClinVar aggregate classification (germline): Uncertain significance. Review status: criteria provided, multiple submitters, no conflicts (2 of 4 stars). 2 submissions from 2 submitters: Uncertain significance (2). Last evaluated 2021-12-03.

Conditions:
Troyer syndrome (SPG20). Identifiers: Orphanet 101000, MedGen C0393559, MONDO:0010156, OMIM 275900.

Allele frequency attached by ClinVar (database versions not stated): gnomAD exomes below 0.00001 and 0.00001; gnomAD 0.00003; TOPMed 0.00003; ESP Exome Variant Server 0.00008.
gnomAD v4.1: 15 of 1,613,500 alleles (0.00093%); highest among the groups gnomAD compares: Middle Eastern, 0.016%; no homozygotes.

Submissions (2):

Labcorp Genetics (formerly Invitae), Labcorp
Classification: Uncertain significance. Last evaluated: 2021-12-03. Review status: criteria provided, single submitter. Criteria: Invitae Variant Classification Sherloc (09022015). Collection method: clinical testing. Allele origin: germline.
Comment: This sequence change replaces threonine, which is neutral and polar, with methionine, which is neutral and non-polar, at codon 655 of the SPART protein (p.Thr655Met). In summary, the available evidence is currently insufficient to determine the role of this variant in disease. Therefore, it has been classified as a Variant of Uncertain Significance. Algorithms developed to predict the effect of missense changes on protein structure and function output the following: SIFT: "Tolerated"; PolyPhen-2: "Not Available"; Align-GVGD: "Class C0". The methionine amino acid residue is found in multiple mammalian species, which suggests that this missense change does not adversely affect protein function. ClinVar contains an entry for this variant (Variation ID: 311763). This variant has not been reported in the literature in individuals affected with SPART-related conditions. The frequency data for this variant in the population databases is considered unreliable, as metrics indicate poor data quality at this position in the gnomAD database.

Illumina Laboratory Services, Illumina
Classification: Uncertain significance for Troyer syndrome. Last evaluated: 2018-01-13. Review status: criteria provided, single submitter. Criteria: ICSL Variant Classification Criteria 13 December 2019. Collection method: clinical testing. Allele origin: germline.

NM_015087.5(SPART):c.1964C>T (p.Thr655Met)

Gene: SPART (spartin; minus strand). Cytogenetic location: 13q13.3.
Variant type: single nucleotide variant.
Coding change: c.1964C>T on transcript NM_015087.5 (MANE Select); coding-DNA position 1964, C replaced by T.
Protein change: p.Thr655Met; replaces threonine 655 with methionine.
Molecular consequence: missense variant.
Genome position (GRCh38, 1-based): chr13:36,304,402, G>A on the plus strand (C>T on the coding strand, the complement: SPART is on the minus strand). VCF-style: chr13-36304402-G-A. GRCh37 (hg19) VCF-style: chr13-36878539-G-A.
Other names: c.1964C>T, p.Thr655Met (NM_001142294.2, NM_001142295.2, NM_001142296.2); short protein forms T655M.
Identifiers: ClinVar variation 311763 (VCV000311763.10), dbSNP rs140800614, ClinGen allele CA10643238.
Genomic context (GRCh38, chr13:36,304,402, plus strand): 5'-TATAAGTGATTCCCAGCACTTCATCATTTATCTTTCTTCTTTGCCTCCTTTACTTCCTTC[G>A]TCTGCTCATCCTTCTCCCCTCTCACGTTGACATTTGCTGCTCCTTCTTGATTTTCCCTCT-3'
Protein context (NP_055902.1, residues 645-665): VNVRGEKDEQ[Thr655Met]KEVKEAKKKD